The following is an entry in ClinVar:

ClinVar aggregate classification (germline): Uncertain significance (1 of 4 stars; one submission).

Submission:

GeneDx
Classification: Uncertain significance. Last evaluated: 2026-09-25. Review status: criteria provided, single submitter. Criteria: GeneDx Variant Classification Process June 2021. Collection method: clinical testing. Allele origin: germline.
Comment: Not observed at significant frequency in large population cohorts (gnomAD); In silico analysis supports that this missense variant has a deleterious effect on protein structure/function; Has not been previously published as pathogenic or benign to our knowledge

NM_001197104.2(KMT2A):c.1258C>T (p.Arg420Trp)

Gene: KMT2A (lysine methyltransferase 2A; plus strand). Cytogenetic location: 11q23.3.
Variant type: single nucleotide variant.
Coding change: c.1258C>T on transcript NM_001197104.2 (MANE Select); coding-DNA position 1258, C replaced by T.
Protein change: p.Arg420Trp; replaces arginine 420 with tryptophan.
Molecular consequence: missense variant.
Genome position (GRCh38, 1-based): chr11:118,472,417, C>T. VCF-style: chr11-118472417-C-T. GRCh37 (hg19) VCF-style: chr11-118343132-C-T.
Other names: c.1357C>T, p.Arg453Trp (NM_001412597.1); c.1258C>T, p.Arg420Trp (NM_005933.4); short protein forms R420W, R453W.
Identifiers: ClinVar variation 3369714 (VCV003369714.2).